The following is an entry in ClinVar:

NM_206933.4(USH2A):c.13296T>G (p.Ser4432Arg)

Gene: USH2A (usherin; minus strand). Cytogenetic location: 1q41.
Variant type: single nucleotide variant.
Coding change: c.13296T>G on transcript NM_206933.4 (MANE Select); coding-DNA position 13296, T replaced by G.
Protein change: p.Ser4432Arg; replaces serine 4432 with arginine.
Molecular consequence: missense variant.
Genome position (GRCh38, 1-based): chr1:215,674,615, A>C on the plus strand (T>G on the coding strand, the complement: USH2A is on the minus strand). VCF-style: chr1-215674615-A-C. GRCh37 (hg19) VCF-style: chr1-215847957-A-C.
Other names: short protein forms S4432R.
Identifiers: ClinVar variation 1467525 (VCV001467525.5), dbSNP rs2102665525, ClinGen allele CA344845822.
Genomic context (GRCh38, chr1:215,674,615, plus strand): 5'-CAATGTTGGAGAGTCCATGTTCTCTGGCAGGGCCTCCATTGTCCAGGCAGATTTTGACAC[A>C]CTAGCTGTGCAACCTCCATTCGTGCAGGCTACAAGGGAGAAGTTATACTGAGAGTAAGGC-3'
Protein context (NP_996816.3, residues 4422-4442): VACTNGGCTA[Ser4432Arg]VSKSAWTMEA

ClinVar aggregate classification (germline): Uncertain significance (1 of 4 stars; one submission).

Submission:

Labcorp Genetics (formerly Invitae), Labcorp
Classification: Uncertain significance. Last evaluated: 2021-12-15. Review status: criteria provided, single submitter. Criteria: Invitae Variant Classification Sherloc (09022015). Collection method: clinical testing. Allele origin: germline.
Comment: In summary, the available evidence is currently insufficient to determine the role of this variant in disease. Therefore, it has been classified as a Variant of Uncertain Significance. This sequence change replaces serine, which is neutral and polar, with arginine, which is basic and polar, at codon 4432 of the USH2A protein (p.Ser4432Arg). This variant is not present in population databases (gnomAD no frequency). This variant has not been reported in the literature in individuals affected with USH2A-related conditions. Algorithms developed to predict the effect of missense changes on protein structure and function (SIFT, PolyPhen-2, Align-GVGD) all suggest that this variant is likely to be disruptive.